The following is an entry in ClinVar:

NM_001387274.1(DCDC1):c.1983+10T>C

Gene: DCDC1 (doublecortin domain containing 1; minus strand). Cytogenetic location: 11p13.
Variant type: single nucleotide variant.
Coding change: c.1983+10T>C on transcript NM_001387274.1 (MANE Select); 10 bases into the intron after coding-DNA position 1983, T replaced by C.
Molecular consequence: intron variant.
Genome position (GRCh38, 1-based): chr11:31,102,167, A>G on the plus strand (T>C on the coding strand, the complement: DCDC1 is on the minus strand). VCF-style: chr11-31102167-A-G. GRCh37 (hg19) VCF-style: chr11-31123714-A-G.
Other names: NM_001350255.1:c.840+10T>C; c.1983+10T>C (NM_001367979.1).
Identifiers: ClinVar variation 3041812 (VCV003041812.2), dbSNP rs367730942, ClinGen allele CA5932239.

ClinVar aggregate classification (germline): Likely benign (0 of 4 stars; one submission).

Conditions:
DCDC1-related disorder. Also called: DCDC1-related condition.

Allele frequency attached by ClinVar (database versions not stated): 1000 Genomes Project 0.00040; 1000 Genomes Project 30x 0.00047; TOPMed 0.00085; gnomAD 0.00092; ESP Exome Variant Server 0.00102; gnomAD exomes 0.00116; ExAC 0.00231.
gnomAD v4.1: 744 of 683,294 alleles (0.11%); highest among the groups gnomAD compares: Non-Finnish European, 0.18%; 1 homozygote.

Submission:

PreventionGenetics, part of Exact Sciences
Classification: Likely benign for DCDC1-related condition. Last evaluated: 2019-07-15. Review status: no assertion criteria provided. Collection method: clinical testing. Allele origin: germline.
Comment: This variant is classified as likely benign based on ACMG/AMP sequence variant interpretation guidelines (Richards et al. 2015 PMID: 25741868, with internal and published modifications).